The following is an entry in ClinVar:

NM_007294.4(BRCA1):c.2365del (p.Ser789fs)

Gene: BRCA1 (BRCA1 DNA repair associated; minus strand). Cytogenetic location: 17q21.31.
Variant type: Deletion.
Coding change: c.2365del on transcript NM_007294.4 (MANE Select); coding-DNA position 2365, one base deleted (A; older notation c.2365delA).
Protein change: p.Ser789fs; shifts the reading frame from serine 789.
Molecular consequence: frameshift variant. On other transcripts: intron variant (137).
Genome position (GRCh38, 1-based): chr17:43,093,166, T deleted on the plus strand (A on the coding strand, the reverse complement: BRCA1 is on the minus strand). VCF-style (leftmost placement, unchanged base first): chr17-43093165-CT-C. GRCh37 (hg19) VCF-style: chr17-41245182-CT-C.
Other names: c.2362del, p.Ser788fs (NM_001407613.1, NM_001407614.1, NM_001407615.1 and 22 more transcripts); c.2224del, p.Ser742fs (NM_001407728.1, NM_001407729.1, NM_001407730.1 and 29 more transcripts); c.2284del, p.Ser762fs (NM_001407659.1, NM_001407660.1, NM_001407661.1 and 1 more transcripts); c.2365del, p.Ser789fs (NM_001407616.1, NM_001407617.1, NM_001407618.1 and 30 more transcripts); c.2287del, p.Ser763fs (NM_001407663.1, NM_001407653.1, NM_001407654.1 and 4 more transcripts); c.2242del, p.Ser748fs (NM_001407664.1, NM_001407665.1, NM_001407666.1 and 19 more transcripts); c.2221del, p.Ser741fs (NM_001407740.1, NM_001407741.1, NM_001407742.1 and 20 more transcripts); c.2239del, p.Ser747fs (NM_001407670.1, NM_001407671.1, NM_001407672.1 and 11 more transcripts); and 41 more; short protein forms S742fs, S789fs, S678fs, S700fs, S722fs, S741fs, S748fs, S762fs.
Identifiers: ClinVar variation 1049895 (VCV001049895.2), dbSNP rs2154381368, ClinGen allele CA2499224509.

ClinVar aggregate classification (germline): Pathogenic (0 of 4 stars; one submission).

Conditions:
Malignant tumor of breast. Also called: Malignant breast neoplasm; Cancer breast. Identifiers: MedGen C0006142, MONDO:0007254. Disease mechanism: loss of function.

Submission:

Department of Pathology and Laboratory Medicine, Sinai Health System
Classification: Pathogenic for Malignant tumor of breast. Review status: no assertion criteria provided. Collection method: clinical testing. Allele origin: unknown. Affected: yes. Study: The Canadian Open Genetics Repository (COGR).
Comment: The BRCA1 p.Ser789Alafs*3 variant was not identified in the literature nor was it identified in the dbSNP, ClinVar, LOVD 3.0, or UMD-LSDB databases. The variant was not identified in the following control databases: the Exome Aggregation Consortium (August 8th 2016), or the Genome Aggregation Database (Feb 27, 2017). The c.2365del variant is predicted to cause a frameshift, which alters the protein's amino acid sequence beginning at codon 789 and leads to a premature stop codon at position 791. This alteration is then predicted to result in a truncated or absent protein and loss of function. Loss of function variants of the BRCA1 gene are an established mechanism of disease in BRCA1 associated cancers and is the type of variant expected to cause the disorder. In summary, based on the above information this variant meets our laboratoryâ€šÃ„Ã´s criteria to be classified as pathogenic.